The following is an entry in ClinVar:

ClinVar aggregate classification (germline): Likely pathogenic (1 of 4 stars; one submission).

Conditions:
ALG1-congenital disorder of glycosylation. Also called: CDG Ik; CONGENITAL DISORDER OF GLYCOSYLATION, TYPE Ik; ALG1-CDG. Identifiers: Orphanet 79327, MedGen C2931005, MONDO:0012052, OMIM 608540.

Submission:

Labcorp Genetics (formerly Invitae), Labcorp
Classification: Likely pathogenic for ALG1-congenital disorder of glycosylation. Last evaluated: 2022-06-20. Review status: criteria provided, single submitter. Criteria: Invitae Variant Classification Sherloc (09022015). Collection method: clinical testing. Allele origin: germline.
Comment: This variant results in the deletion of part of exon 3 (c.287-12_289del) of the ALG1 gene. It is expected to disrupt RNA splicing. Variants that disrupt the donor or acceptor splice site typically lead to a loss of protein function (PMID: 16199547), and loss-of-function variants in ALG1 are known to be pathogenic (PMID: 20679665, 23806237). This variant is not present in population databases (gnomAD no frequency). This variant has not been reported in the literature in individuals affected with ALG1-related conditions. Algorithms developed to predict the effect of sequence changes on RNA splicing suggest that this variant may disrupt the consensus splice site. In summary, the currently available evidence indicates that the variant is pathogenic, but additional data are needed to prove that conclusively. Therefore, this variant has been classified as Likely Pathogenic.

Literature cited by the submitters: PubMed 16199547; PubMed 20679665; PubMed 23806237.

NM_019109.5(ALG1):c.287-12_289del

Gene: ALG1 (ALG1 chitobiosyldiphosphodolichol beta-mannosyltransferase; plus strand). Cytogenetic location: 16p13.3.
Variant type: Deletion.
Coding change: c.287-12_289del on transcript NM_019109.5 (MANE Select); 12 bases into the intron before coding-DNA position 287 through coding-DNA position 289, 15 bases deleted (TCTGACTTGCAGTTG).
Molecular consequence: splice acceptor variant.
Genome position (GRCh38, 1-based): chr16:5,073,141-5,073,155, TCTGACTTGCAGTTG deleted. VCF-style (leftmost placement, unchanged base first): chr16-5073140-TTCTGACTTGCAGTTG-T. GRCh37 (hg19) VCF-style: chr16-5123141-TTCTGACTTGCAGTTG-T.
Other names: c.-47-12_-45del (NM_001330504.2).
Identifiers: ClinVar variation 1514397 (VCV001514397.6), dbSNP rs2142701800, ClinGen allele CA2573152070.